The following is an entry in ClinVar:

NM_002693.3(POLG):c.2020G>A (p.Gly674Ser)

Gene: POLG (DNA polymerase gamma, catalytic subunit; minus strand). Cytogenetic location: 15q26.1.
Variant type: single nucleotide variant.
Coding change: c.2020G>A on transcript NM_002693.3 (MANE Select); coding-DNA position 2020, G replaced by A.
Protein change: p.Gly674Ser; replaces glycine 674 with serine.
Molecular consequence: missense variant.
Genome position (GRCh38, 1-based): chr15:89,324,157, C>T on the plus strand (G>A on the coding strand, the complement: POLG is on the minus strand). VCF-style: chr15-89324157-C-T. GRCh37 (hg19) VCF-style: chr15-89867388-C-T.
Other names: c.2020G>A, p.Gly674Ser (NM_001126131.2); short protein forms G674S.
Identifiers: ClinVar variation 619413 (VCV000619413.11), dbSNP rs538978071, ClinGen allele CA7724618.

ClinVar aggregate classification (germline): Uncertain significance. Review status: criteria provided, multiple submitters, no conflicts (2 of 4 stars). 4 submissions from 4 submitters: Uncertain significance (4). Last evaluated 2025-12-09.

Conditions:
Progressive sclerosing poliodystrophy (MTDPS4A). Also called: Alpers Syndrome; Mitochondrial DNA depletion syndrome 4A (Alpers type); Mitochondrial DNA Depletion Syndrome 4A; Alpers-Huttenlocher Syndrome (AHS); ALPERS PROGRESSIVE INFANTILE POLIODYSTROPHY; ALPERS DIFFUSE DEGENERATION OF CEREBRAL GRAY MATTER WITH HEPATIC CIRRHOSIS. Identifiers: Orphanet 726, MedGen C0205710, MONDO:0008758, OMIM 203700.

Allele frequency attached by ClinVar (database versions not stated): gnomAD exomes 0.00001 and 0.00002; ExAC 0.00002; gnomAD 0.00002 and 0.00003; TOPMed 0.00002; 1000 Genomes Project 30x 0.00016; 1000 Genomes Project 0.00020.
gnomAD v4.1: 16 of 1,613,984 alleles (0.00099%); highest among the groups gnomAD compares: Middle Eastern, 0.017%; no homozygotes.

Submissions (4):

GeneDx
Classification: Uncertain significance. Last evaluated: 2025-12-09. Review status: criteria provided, single submitter. Criteria: GeneDx Variant Classification Process June 2021. Collection method: clinical testing. Allele origin: germline. Affected: yes.
Comment: Not observed at significant frequency in large population cohorts (gnomAD); In silico analysis suggests that this missense variant does not alter protein structure/function; Has not been previously published as pathogenic or benign to our knowledge

Labcorp Genetics (formerly Invitae), Labcorp
Classification: Uncertain significance for Progressive sclerosing poliodystrophy. Last evaluated: 2024-03-18. Review status: criteria provided, single submitter. Criteria: Invitae Variant Classification Sherloc (09022015). Collection method: clinical testing. Allele origin: germline.
Comment: This sequence change replaces glycine, which is neutral and non-polar, with serine, which is neutral and polar, at codon 674 of the POLG protein (p.Gly674Ser). This variant is present in population databases (rs538978071, gnomAD 0.01%). This variant has not been reported in the literature in individuals affected with POLG-related conditions. ClinVar contains an entry for this variant (Variation ID: 619413). Advanced modeling of protein sequence and biophysical properties (such as structural, functional, and spatial information, amino acid conservation, physicochemical variation, residue mobility, and thermodynamic stability) performed at Invitae indicates that this missense variant is not expected to disrupt POLG protein function with a negative predictive value of 95%. In summary, the available evidence is currently insufficient to determine the role of this variant in disease. Therefore, it has been classified as a Variant of Uncertain Significance.

Blueprint Genetics
Classification: Uncertain significance. Last evaluated: 2021-06-16. Review status: criteria provided, single submitter. Criteria: ACMG Guidelines, 2015. Collection method: clinical testing. Allele origin: germline.

Wong Mito Lab, Molecular and Human Genetics, Baylor College of Medicine
Classification: Uncertain significance for Progressive sclerosing poliodystrophy. Last evaluated: 2018-10-01. Review status: criteria provided, single submitter. Criteria: ACMG Guidelines, 2015. Collection method: clinical testing. Allele origin: germline.
Comment: The NM_002693.2:c.2020G>A (NP_002684.1:p.Gly674Ser) [GRCH38: NC_000015.10:g.89324157C>T] variant in POLG gene is interpretated to be a Uncertain Significance based on ACMG guidelines (PMID: 25741868). This variant meets the following evidence codes reported in the ACMG-guideline. BP4:Computational evidence/predictors indicate no impact on the POLG structure, function, or protein-protein interaction. Based on the evidence criteria codes applied, the variant is suggested to be Uncertain Significance.